The following is an entry in ClinVar:

ClinVar aggregate classification (germline): Uncertain significance. Review status: criteria provided, multiple submitters, no conflicts (2 of 4 stars). 2 submissions from 2 submitters: Uncertain significance (2). Last evaluated 2023-02-10.

Conditions:
Hereditary cancer-predisposing syndrome. Also called: Tumor predisposition; Neoplastic Syndromes, Hereditary; Hereditary neoplastic syndrome; Hereditary Cancer Syndrome. Identifiers: Orphanet 140162, MedGen C0027672, MeSH D009386, MONDO:0015356.
Ataxia-telangiectasia syndrome (AT). Also called: Ataxia-telangiectasia, complementation group D; AT, COMPLEMENTATION GROUP C; ATAXIA-TELANGIECTASIA, COMPLEMENTATION GROUP A; ATAXIA-TELANGIECTASIA, FRESNO VARIANT; Ataxia-telangiectasia; Ataxia telangiectasia (A-T). Identifiers: Orphanet 100, MedGen C0004135, MONDO:0008840, OMIM 208900.

Allele frequency attached by ClinVar (database versions not stated): gnomAD exomes below 0.00001.
gnomAD v4.1: 1 of 1,614,036 alleles (0.000062%); highest among the groups gnomAD compares: Non-Finnish European, 0.000085%; no homozygotes.

Submissions (2):

Ambry Genetics
Classification: Uncertain significance for Hereditary cancer-predisposing syndrome. Last evaluated: 2023-02-10. Review status: criteria provided, single submitter. Criteria: Ambry Variant Classification Scheme 2023. Collection method: clinical testing. Allele origin: germline.
Comment: The p.G2695R variant (also known as c.8083G>C), located in coding exon 54 of the ATM gene, results from a G to C substitution at nucleotide position 8083. The glycine at codon 2695 is replaced by arginine, an amino acid with dissimilar properties. This alteration has been reported in at least one subject in a study of 13087 breast cancer cases and 5488 control individuals in the UK (Decker B et al. J Med Genet, 2017 Nov;54:732-741). This amino acid position is highly conserved in available vertebrate species. In addition, this alteration is predicted to be deleterious by in silico analysis. Since supporting evidence is limited at this time, the clinical significance of this alteration remains unclear.

Labcorp Genetics (formerly Invitae), Labcorp
Classification: Uncertain significance for Ataxia-telangiectasia syndrome. Last evaluated: 2021-03-27. Review status: criteria provided, single submitter. Criteria: Invitae Variant Classification Sherloc (09022015). Collection method: clinical testing. Allele origin: germline.
Comment: This sequence change replaces glycine with arginine at codon 2695 of the ATM protein (p.Gly2695Arg). The glycine residue is highly conserved and there is a moderate physicochemical difference between glycine and arginine. In summary, the available evidence is currently insufficient to determine the role of this variant in disease. Therefore, it has been classified as a Variant of Uncertain Significance. Advanced modeling of protein sequence and biophysical properties (such as structural, functional, and spatial information, amino acid conservation, physicochemical variation, residue mobility, and thermodynamic stability) performed at Invitae indicates that this missense variant is expected to disrupt ATM protein function. This variant has not been reported in the literature in individuals with ATM-related conditions. ClinVar contains an entry for this variant (Variation ID: 953928). This variant is not present in population databases (ExAC no frequency).

Literature cited by the submitters: PubMed 28779002 (cited by Ambry Genetics).

NM_000051.4(ATM):c.8083G>C (p.Gly2695Arg)

Genes: ATM (ATM serine/threonine kinase; plus strand), C11orf65 (chromosome 11 open reading frame 65; minus strand). Cytogenetic location: 11q22.3.
Variant type: single nucleotide variant.
Coding change: c.8083G>C on transcript NM_000051.4 (MANE Select); coding-DNA position 8083, G replaced by C.
Protein change: p.Gly2695Arg; replaces glycine 2695 with arginine.
Molecular consequence: missense variant. On other transcripts: intron variant (2).
Genome position (GRCh38, 1-based): chr11:108,335,041, G>C. VCF-style: chr11-108335041-G-C. GRCh37 (hg19) VCF-style: chr11-108205768-G-C.
Other names: c.8083G>C, p.Gly2695Arg (NM_001351834.2); c.641-25970C>G (NM_001330368.2); c.*38+179C>G (NM_001351110.2); short protein forms G2695R.
Identifiers: ClinVar variation 953928 (VCV000953928.12), dbSNP rs1555127166, ClinGen allele CA382562036.